The following is an entry in ClinVar:

ClinVar aggregate classification (germline): Benign/Likely benign. Review status: criteria provided, multiple submitters, no conflicts (2 of 4 stars). 6 submissions from 6 submitters: Benign (2); Likely benign (1). 3 of the submissions do not count toward it. Last evaluated 2024-11-20.

Allele frequency attached by ClinVar (database versions not stated): ESP Exome Variant Server 0.00008; gnomAD 0.00061 and 0.00097; gnomAD exomes 0.00081 and 0.00177; TOPMed 0.00096; ExAC 0.00214; 1000 Genomes Project 30x 0.00515; 1000 Genomes Project 0.00619.
gnomAD v4.1: 1,350 of 1,609,134 alleles (0.084%); highest among the groups gnomAD compares: East Asian, 2.6%; 20 homozygotes.

Submissions (6):

Blueprint Genetics
Classification: Likely benign. Last evaluated: 2024-11-20. Review status: criteria provided, single submitter. Criteria: ACMG Guidelines, 2015. Collection method: clinical testing. Allele origin: germline.

Women's Health and Genetics/Laboratory Corporation of America, LabCorp
Classification: Benign. Last evaluated: 2021-07-05. Review status: criteria provided, single submitter. Criteria: LabCorp Variant Classification Summary - May 2015. Collection method: clinical testing. Allele origin: germline.
Comment: Variant summary: TMEM43 c.*16C>T is located in the untranslated mRNA region downstream of the termination codon. The variant allele was found at a frequency of 0.0018 in 243340 control chromosomes in the gnomAD database, including 5 homozygotes. The observed variant frequency is approximately 212- fold the estimated maximal expected allele frequency for a pathogenic variant in TMEM43 causing Arrhythmogenic Right Ventricular Dysplasia/Cardiomyopathy phenotype (8.3e-06), strongly suggesting that the variant is benign. To our knowledge, no occurrence of c.*16C>T in individuals affected with Arrhythmogenic Right Ventricular Dysplasia/Cardiomyopathy and no experimental evidence demonstrating its impact on protein function have been reported. No clinical diagnostic laboratories have submitted clinical-significance assessments for this variant to ClinVar after 2014. Based on the evidence outlined above, the variant was classified as benign.

GeneDx
Classification: Benign. Last evaluated: 2015-03-03. Review status: criteria provided, single submitter. Criteria: GeneDx Variant Classification Process June 2021. Collection method: clinical testing. Allele origin: germline. Affected: yes.

Clinical Genetics DNA and cytogenetics Diagnostics Lab, Erasmus MC, Erasmus Medical Center
Classification: Benign. Review status: no assertion criteria provided. Collection method: clinical testing. Allele origin: germline. Affected: yes. Study: VKGL Data-share Consensus. Not counted in ClinVar's aggregate classification.

Clinical Genetics, Academic Medical Center
Classification: Benign. Review status: no assertion criteria provided. Collection method: clinical testing. Allele origin: germline. Affected: yes. Study: VKGL Data-share Consensus. Not counted in ClinVar's aggregate classification.

Joint Genome Diagnostic Labs from Nijmegen and Maastricht, Radboudumc and MUMC+
Classification: Benign. Review status: no assertion criteria provided. Collection method: clinical testing. Allele origin: germline. Affected: yes. Study: VKGL Data-share Consensus. Not counted in ClinVar's aggregate classification.

NM_024334.3(TMEM43):c.*16C>T

Gene: TMEM43 (transmembrane protein 43; plus strand). Cytogenetic location: 3p25.1.
Variant type: single nucleotide variant.
Coding change: c.*16C>T on transcript NM_024334.3 (MANE Select); 16 bases downstream of the stop codon, C replaced by T.
Molecular consequence: 3 prime UTR variant.
Genome position (GRCh38, 1-based): chr3:14,141,811, C>T. VCF-style: chr3-14141811-C-T. GRCh37 (hg19) VCF-style: chr3-14183311-C-T.
Identifiers: ClinVar variation 188665 (VCV000188665.7), dbSNP rs3796310, ClinGen allele CA024621.